The following is an entry in ClinVar:

ClinVar aggregate classification (germline): Conflicting classifications of pathogenicity. Review status: criteria provided, conflicting classifications (1 of 4 stars). 3 submissions from 3 submitters: Uncertain significance (2); Likely benign (1). Last evaluated 2024-01-29.

Conditions:
Inborn genetic diseases. Identifiers: MedGen C0950123, MeSH D030342.

Allele frequency attached by ClinVar (database versions not stated): gnomAD below 0.00001 and 0.00003; gnomAD exomes 0.00004 and 0.00008; ExAC 0.00008.
gnomAD v4.1: 67 of 1,612,888 alleles (0.0042%); highest among the groups gnomAD compares: South Asian, 0.068%; 2 homozygotes.

Submissions (3):

Labcorp Genetics (formerly Invitae), Labcorp
Classification: Likely benign. Last evaluated: 2024-01-29. Review status: criteria provided, single submitter. Criteria: Invitae Variant Classification Sherloc (09022015). Collection method: clinical testing. Allele origin: germline.

Ambry Genetics
Classification: Uncertain significance for Inborn genetic diseases. Last evaluated: 2023-10-13. Review status: criteria provided, single submitter. Criteria: Ambry Variant Classification Scheme 2023. Collection method: clinical testing. Allele origin: germline.

GeneDx
Classification: Uncertain significance. Last evaluated: 2013-11-12. Review status: criteria provided, single submitter. Criteria: GeneDx Variant Classification (06012015). Collection method: clinical testing. Allele origin: germline. Affected: yes.
Comment: p.Gly64Arg (GGG>AGG): c.190 G>A in exon 2 of the TYMP gene (NM_001953.3) The G64R missense substitution has not been published as a mutation, nor has it been reported as a benign polymorphism to our knowledge. Mutations in the TYMP gene are associated with autosomal recessive mitochondrial DNA depletion syndrome 1 (MNGIE type). The amino acid change is non-conservative in that a small, uncharged Glycine residue is replaced by a large, positively charged Arginine residue. This change occurs at a position in the TYMP protein that is conserved in mammals. In-silico analyses are inconsistent in their predictions of whether or not G64R is damaging to the TYMP protein. Therefore, based on the currently available information, it is unclear whether G64R is a disease-causing mutation or a rare benign variant. The variant is found in MITONUC-MITOP panel(s).

NM_001953.5(TYMP):c.190G>A (p.Gly64Arg)

Gene: TYMP (thymidine phosphorylase; minus strand). Cytogenetic location: 22q13.33.
Variant type: single nucleotide variant.
Coding change: c.190G>A on transcript NM_001953.5 (MANE Select); coding-DNA position 190, G replaced by A.
Protein change: p.Gly64Arg; replaces glycine 64 with arginine.
Molecular consequence: missense variant.
Genome position (GRCh38, 1-based): chr22:50,529,520, C>T on the plus strand (G>A on the coding strand, the complement: TYMP is on the minus strand). VCF-style: chr22-50529520-C-T. GRCh37 (hg19) VCF-style: chr22-50967949-C-T.
Other names: c.190G>A, p.Gly64Arg (LRG_727t2, LRG_727t1, NM_001113755.3 and 3 more transcripts); short protein forms G64R.
Identifiers: ClinVar variation 215327 (VCV000215327.13), dbSNP rs767063709, ClinGen allele CA324437.